The following is an entry in ClinVar:

NM_002890.3(RASA1):c.263G>C (p.Gly88Ala)

Gene: RASA1 (RAS p21 protein activator 1; plus strand). Cytogenetic location: 5q14.3.
Variant type: single nucleotide variant.
Coding change: c.263G>C on transcript NM_002890.3 (MANE Select); coding-DNA position 263, G replaced by C.
Protein change: p.Gly88Ala; replaces glycine 88 with alanine.
Molecular consequence: missense variant.
Genome position (GRCh38, 1-based): chr5:87,268,714, G>C. VCF-style: chr5-87268714-G-C. GRCh37 (hg19) VCF-style: chr5-86564531-G-C.
Other names: short protein forms G88A.
Identifiers: ClinVar variation 3018848 (VCV003018848.3), dbSNP rs775010773, ClinGen allele CA3335374.

ClinVar aggregate classification (germline): Uncertain significance (1 of 4 stars; one submission).

Conditions:
Capillary malformation-arteriovenous malformation syndrome. Also called: Capillary malformation-arteriovenous malformation. Identifiers: Orphanet 137667, MedGen C1842180, MONDO:0012016.

Allele frequency attached by ClinVar (database versions not stated): TOPMed 0.00001.
gnomAD v4.1: 10 of 1,612,430 alleles (0.00062%); highest among the groups gnomAD compares: Admixed American, 0.015%; no homozygotes.

Submission:

Labcorp Genetics (formerly Invitae), Labcorp
Classification: Uncertain significance for Capillary malformation-arteriovenous malformation syndrome. Last evaluated: 2025-04-10. Review status: criteria provided, single submitter. Criteria: Invitae Variant Classification Sherloc (09022015). Collection method: clinical testing. Allele origin: germline.
Comment: This sequence change replaces glycine, which is neutral and non-polar, with alanine, which is neutral and non-polar, at codon 88 of the RASA1 protein (p.Gly88Ala). This variant is present in population databases (rs775010773, gnomAD 0.02%). This variant has not been reported in the literature in individuals affected with RASA1-related conditions. ClinVar contains an entry for this variant (Variation ID: 3018848). An algorithm developed to predict the effect of missense changes on protein structure and function outputs the following: PolyPhen-2: "Possibly Damaging". The alanine amino acid residue is found in multiple mammalian species, which suggests that this missense change does not adversely affect protein function. In summary, the available evidence is currently insufficient to determine the role of this variant in disease. Therefore, it has been classified as a Variant of Uncertain Significance.